The following is an entry in ClinVar:

NM_005477.3(HCN4):c.320del (p.Gly107fs)

Gene: HCN4 (hyperpolarization activated cyclic nucleotide gated potassium channel 4; minus strand). Cytogenetic location: 15q24.1.
Variant type: Deletion.
Coding change: c.320del on transcript NM_005477.3 (MANE Select); coding-DNA position 320, one base deleted (G; older notation c.320delG).
Protein change: p.Gly107fs; shifts the reading frame from glycine 107.
Molecular consequence: frameshift variant.
Genome position (GRCh38, 1-based): chr15:73,367,951, C deleted on the plus strand (G on the coding strand, the reverse complement: HCN4 is on the minus strand); the first of 4 consecutive C bases (chr15:73,367,951-73,367,954); deleting any one gives the same sequence. VCF-style (leftmost placement, unchanged base first): chr15-73367950-GC-G. GRCh37 (hg19) VCF-style: chr15-73660291-GC-G.
Other names: short protein forms G107fs.
Identifiers: ClinVar variation 2817909 (VCV002817909.3), dbSNP rs1332587629, ClinGen allele CA619410696.
Genomic context (GRCh38, chr15:73,367,950, plus strand): 5'-CTCCGCGGAGTCATGCAGGTGTCCGTGACTGCTGCCGCTCCCCGTGCCGCCGCTGCCGCC[GC>G]CCCGGCTGCCCAGCGAGGCCAGGCTCCCGCGGAAGCGCCTGCAGTCGCCGTTCGTGCTGG-3'

ClinVar aggregate classification (germline): Uncertain significance (1 of 4 stars; one submission).

Conditions:
Brugada syndrome 8 (BRGDA8). Identifiers: Orphanet 130, MedGen C2751083, MONDO:0013148, OMIM 613123.

Submission:

Labcorp Genetics (formerly Invitae), Labcorp
Classification: Uncertain significance for Brugada syndrome 8. Last evaluated: 2022-12-02. Review status: criteria provided, single submitter. Criteria: Invitae Variant Classification Sherloc (09022015). Collection method: clinical testing. Allele origin: germline.
Comment: In summary, the available evidence is currently insufficient to determine the role of this variant in disease. Therefore, it has been classified as a Variant of Uncertain Significance. This variant has not been reported in the literature in individuals affected with HCN4-related conditions. The frequency data for this variant in the population databases is considered unreliable, as metrics indicate poor data quality at this position in the gnomAD database. This sequence change creates a premature translational stop signal (p.Gly107Alafs*125) in the HCN4 gene. It is expected to result in an absent or disrupted protein product. However, the current clinical and genetic evidence is not sufficient to establish whether loss-of-function variants in HCN4 cause disease.